The following is an entry in ClinVar:

NM_013372.7(GREM1):c.17A>G (p.Tyr6Cys)

Gene: GREM1 (gremlin 1, DAN family BMP antagonist; plus strand). Cytogenetic location: 15q13.3.
Variant type: single nucleotide variant.
Coding change: c.17A>G on transcript NM_013372.7 (MANE Select); coding-DNA position 17, A replaced by G.
Protein change: p.Tyr6Cys; replaces tyrosine 6 with cysteine.
Molecular consequence: missense variant.
Genome position (GRCh38, 1-based): chr15:32,730,707, A>G. VCF-style: chr15-32730707-A-G. GRCh37 (hg19) VCF-style: chr15-33022908-A-G.
Other names: c.17A>G, p.Tyr6Cys (NM_001191322.2, NM_001191323.2, NM_001368719.1); short protein forms Y6C.
Identifiers: ClinVar variation 2562302 (VCV002562302.3), dbSNP rs1200762767, ClinGen allele CA391557012.

ClinVar aggregate classification (germline): Uncertain significance (1 of 4 stars; one submission).

Conditions:
Hereditary cancer-predisposing syndrome. Also called: Neoplastic Syndromes, Hereditary; Hereditary Cancer Syndrome; Hereditary neoplastic syndrome; Tumor predisposition. Identifiers: Orphanet 140162, MedGen C0027672, MeSH D009386, MONDO:0015356.

Allele frequency attached by ClinVar (database versions not stated): gnomAD exomes below 0.00001; gnomAD 0.00001; TOPMed 0.00001.
gnomAD v4.1: 3 of 1,566,718 alleles (0.00019%); highest among the groups gnomAD compares: African/African-American, 0.0027%; no homozygotes.

Submission:

Ambry Genetics
Classification: Uncertain significance for Hereditary cancer-predisposing syndrome. Last evaluated: 2025-10-06. Review status: criteria provided, single submitter. Criteria: Ambry Variant Classification Scheme 2023. Collection method: clinical testing. Allele origin: germline.
Comment: The p.Y6C variant (also known as c.17A>G), located in coding exon 1 of the GREM1 gene, results from an A to G substitution at nucleotide position 17. The tyrosine at codon 6 is replaced by cysteine, an amino acid with highly dissimilar properties. This amino acid position is conserved. In addition, this alteration is predicted to be tolerated by in silico analysis. Since supporting evidence is limited at this time, the clinical significance of this alteration remains unclear.